The following is an entry in ClinVar:

ClinVar aggregate classification (germline): Uncertain significance (1 of 4 stars; one submission).

Allele frequency attached by ClinVar (database versions not stated): ExAC 0.00004; gnomAD 0.00007; ESP Exome Variant Server 0.00009; TOPMed 0.00009.
gnomAD v4.1: 88 of 1,201,437 alleles (0.0073%); highest among the groups gnomAD compares: African/African-American, 0.011%; no homozygotes.

Submission:

Labcorp Genetics (formerly Invitae), Labcorp
Classification: Uncertain significance. Last evaluated: 2024-03-21. Review status: criteria provided, single submitter. Criteria: Invitae Variant Classification Sherloc (09022015). Collection method: clinical testing. Allele origin: germline.
Comment: This sequence change replaces arginine, which is basic and polar, with histidine, which is basic and polar, at codon 717 of the COL4A6 protein (p.Arg717His). This variant is present in population databases (rs373881788, gnomAD 0.01%). This variant has not been reported in the literature in individuals affected with COL4A6-related conditions. Advanced modeling of protein sequence and biophysical properties (such as structural, functional, and spatial information, amino acid conservation, physicochemical variation, residue mobility, and thermodynamic stability) performed at Invitae indicates that this missense variant is not expected to disrupt COL4A6 protein function with a negative predictive value of 80%. In summary, the available evidence is currently insufficient to determine the role of this variant in disease. Therefore, it has been classified as a Variant of Uncertain Significance.

NM_033641.4(COL4A6):c.2147G>A (p.Arg716His)

Gene: COL4A6 (collagen type IV alpha 6 chain; minus strand). Cytogenetic location: Xq22.3.
Variant type: single nucleotide variant.
Coding change: c.2147G>A on transcript NM_033641.4 (MANE Select); coding-DNA position 2147, G replaced by A.
Protein change: p.Arg716His; replaces arginine 716 with histidine.
Molecular consequence: missense variant.
Genome position (GRCh38, 1-based): chrX:108,179,423, C>T on the plus strand (G>A on the coding strand, the complement: COL4A6 is on the minus strand). VCF-style: chrX-108179423-C-T. GRCh37 (hg19) VCF-style: chrX-107422653-C-T.
Other names: c.2198G>A, p.Arg733His (NM_001287758.2); c.2147G>A, p.Arg716His (NM_001287759.2, NM_001287760.2); c.2150G>A, p.Arg717His (NM_001847.4); short protein forms R716H, R733H, R717H.
Identifiers: ClinVar variation 2704271 (VCV002704271.3), dbSNP rs373881788, ClinGen allele CA10487674.